The following is an entry in ClinVar:

NM_182914.3(SYNE2):c.10799A>G (p.Gln3600Arg)

Gene: SYNE2 (spectrin repeat containing nuclear envelope protein 2; plus strand). Cytogenetic location: 14q23.2.
Variant type: single nucleotide variant.
Coding change: c.10799A>G on transcript NM_182914.3 (MANE Select); coding-DNA position 10799, A replaced by G.
Protein change: p.Gln3600Arg; replaces glutamine 3600 with arginine.
Molecular consequence: missense variant.
Genome position (GRCh38, 1-based): chr14:64,074,069, A>G. VCF-style: chr14-64074069-A-G. GRCh37 (hg19) VCF-style: chr14-64540787-A-G.
Other names: c.10799A>G, p.Gln3600Arg (NM_015180.6); short protein forms Q3600R.
Identifiers: ClinVar variation 4754491 (VCV004754491.1).

ClinVar aggregate classification (germline): Uncertain significance (1 of 4 stars; one submission).

Conditions:
Emery-Dreifuss muscular dystrophy 5, autosomal dominant (EDMD5). Also called: EMERY-DREIFUSS MUSCULAR DYSTROPHY 5. Identifiers: Orphanet 261, MedGen C2751805, MONDO:0013072, OMIM 612999.

gnomAD v4.1: 2 of 1,614,110 alleles (0.00012%); highest among the groups gnomAD compares: African/African-American, 0.0027%; no homozygotes.

Submission:

Labcorp Genetics (formerly Invitae), Labcorp
Classification: Uncertain significance for Emery-Dreifuss muscular dystrophy 5, autosomal dominant. Last evaluated: 2025-09-17. Review status: criteria provided, single submitter. Criteria: Invitae Variant Classification Sherloc (09022015). Collection method: clinical testing. Allele origin: germline.
Comment: This sequence change replaces glutamine, which is neutral and polar, with arginine, which is basic and polar, at codon 3600 of the SYNE2 protein (p.Gln3600Arg). This variant is not present in population databases (gnomAD no frequency). This variant has not been reported in the literature in individuals affected with SYNE2-related conditions. An algorithm developed to predict the effect of missense changes on protein structure and function (PolyPhen-2) suggests that this variant is likely to be tolerated. In summary, the available evidence is currently insufficient to determine the role of this variant in disease. Therefore, it has been classified as a Variant of Uncertain Significance.